The following is an entry in ClinVar:

ClinVar aggregate classification (germline): Uncertain significance. Review status: criteria provided, multiple submitters, no conflicts (2 of 4 stars). 3 submissions from 3 submitters: Uncertain significance (3). Last evaluated 2026-08-29.

Conditions:
Cardiovascular phenotype. Identifiers: MedGen CN230736.

Submissions (3):

Ambry Genetics
Classification: Uncertain significance for Cardiovascular phenotype. Last evaluated: 2026-08-29. Review status: criteria provided, single submitter. Criteria: Ambry Variant Classification Scheme 2023. Collection method: clinical testing. Allele origin: germline.
Comment: The p.E3101D variant (also known as c.9303G>C), located in coding exon 2 of the ZNF469 gene, results from a G to C substitution at nucleotide position 9303. The glutamic acid at codon 3101 is replaced by aspartic acid, an amino acid with highly similar properties. This amino acid position is conserved. In addition, this alteration is predicted to be tolerated by in silico analysis. Based on the available evidence, the clinical significance of this variant remains unclear.

Mayo Clinic Laboratories, Mayo Clinic
Classification: Uncertain significance. Last evaluated: 2025-06-20. Review status: criteria provided, single submitter. Criteria: ACMG Guidelines, 2015. Collection method: clinical testing. Allele origin: germline. Observed: 1 variant allele.
Comment: BP4_moderate, PM2_supporting

CeGaT Center for Human Genetics Tuebingen
Classification: Uncertain significance. Last evaluated: 2020-04-01. Review status: criteria provided, single submitter. Criteria: CeGaT Center For Human Genetics Tuebingen Variant Classification Criteria Version 2. Collection method: clinical testing. Allele origin: germline. Affected: yes. Observed: 1 variant allele.

NM_001367624.2(ZNF469):c.9387G>C (p.Glu3129Asp)

Gene: ZNF469 (zinc finger protein 469; plus strand). Cytogenetic location: 16q24.2.
Variant type: single nucleotide variant.
Coding change: c.9387G>C on transcript NM_001367624.2 (MANE Select); coding-DNA position 9387, G replaced by C.
Protein change: p.Glu3129Asp; replaces glutamic acid 3129 with aspartic acid.
Molecular consequence: missense variant.
Genome position (GRCh38, 1-based): chr16:88,436,857, G>C. VCF-style: chr16-88436857-G-C. GRCh37 (hg19) VCF-style: chr16-88503265-G-C.
Other names: p.Glu3129Asp; NM_001127464.1:c.9303G>C; short protein forms E3129D.
Identifiers: ClinVar variation 932683 (VCV000932683.40), dbSNP rs1906616801, ClinGen allele CA397122090.